The following is an entry in ClinVar:

ClinVar aggregate classification (germline): Likely benign. Review status: criteria provided, multiple submitters, no conflicts (2 of 4 stars). 2 submissions from 2 submitters: Likely benign (2). Last evaluated 2025-11-13.

Conditions:
Tuberous sclerosis 2 (TSC2). Identifiers: Orphanet 805, MedGen C1860707, MONDO:0013199, OMIM 613254.

Allele frequency attached by ClinVar (database versions not stated): gnomAD exomes below 0.00001; TOPMed below 0.00001; gnomAD 0.00001.
gnomAD v4.1: 7 of 1,613,134 alleles (0.00043%); highest among the groups gnomAD compares: Middle Eastern, 0.016%; no homozygotes.

Submissions (2):

Labcorp Genetics (formerly Invitae), Labcorp
Classification: Likely benign for Tuberous sclerosis 2. Last evaluated: 2025-11-13. Review status: criteria provided, single submitter. Criteria: Invitae Variant Classification Sherloc (09022015). Collection method: clinical testing. Allele origin: germline.

Myriad Genetics, Inc.
Classification: Likely benign for Tuberous sclerosis 2. Last evaluated: 2025-05-15. Review status: criteria provided, single submitter. Criteria: Myriad Autosomal Dominant, Autosomal Recessive and X-Linked Classification Criteria (2023). Collection method: clinical testing. Allele origin: unknown.
Comment: This variant is considered likely benign. This variant is intronic and is not expected to impact mRNA splicing.

NM_000548.5(TSC2):c.1840-17C>T

Gene: TSC2 (TSC complex subunit 2; plus strand). Cytogenetic location: 16p13.3.
Variant type: single nucleotide variant.
Coding change: c.1840-17C>T on transcript NM_000548.5 (MANE Select); 17 bases into the intron before coding-DNA position 1840, C replaced by T.
Molecular consequence: intron variant.
Genome position (GRCh38, 1-based): chr16:2,071,493, C>T. VCF-style: chr16-2071493-C-T. GRCh37 (hg19) VCF-style: chr16-2121494-C-T.
Other names: c.1840-17C>T (NM_001114382.3, NM_021055.3, NM_001370405.1 and 3 more transcripts); c.1729-17C>T (NM_001318827.2); c.1240-17C>T (NM_001318831.2); c.1693-17C>T (NM_001318829.2); c.1873-17C>T (NM_001318832.2).
Identifiers: ClinVar variation 1615443 (VCV001615443.9), dbSNP rs1246308547, ClinGen allele CA620706020.